The following is an entry in ClinVar:

ClinVar aggregate classification (germline): Uncertain significance (1 of 4 stars; one submission).

Conditions:
Ehlers-Danlos syndrome, spondylodysplastic type, 2 (EDSSPD2). Also called: Ehlers-Danlos syndrome, progeroid type, 2. Identifiers: Orphanet 536467, Orphanet 75496, MedGen C3809210, MONDO:0014139, OMIM 615349.
Spondyloepimetaphyseal dysplasia with joint laxity (SEMDJL). Identifiers: MedGen C0432243, MONDO:0019675.

Submission:

Labcorp Genetics (formerly Invitae), Labcorp
Classification: Uncertain significance for Ehlers-Danlos syndrome, spondylodysplastic type, 2; Spondyloepimetaphyseal dysplasia with joint laxity. Last evaluated: 2025-11-25. Review status: criteria provided, single submitter. Criteria: Invitae Variant Classification Sherloc (09022015). Collection method: clinical testing. Allele origin: germline.
Comment: This sequence change replaces proline, which is neutral and non-polar, with threonine, which is neutral and polar, at codon 36 of the B3GALT6 protein (p.Pro36Thr). The frequency data for this variant in the population databases is considered unreliable, as metrics indicate insufficient coverage at this position in the gnomAD database. This variant has not been reported in the literature in individuals affected with B3GALT6-related conditions. An algorithm developed to predict the effect of missense changes on protein structure and function (PolyPhen-2) suggests that this variant is likely to be disruptive. In summary, the available evidence is currently insufficient to determine the role of this variant in disease. Therefore, it has been classified as a Variant of Uncertain Significance.

NM_080605.4(B3GALT6):c.106C>A (p.Pro36Thr)

Gene: B3GALT6 (beta-1,3-galactosyltransferase 6; plus strand). Cytogenetic location: 1p36.33.
Variant type: single nucleotide variant.
Coding change: c.106C>A on transcript NM_080605.4 (MANE Select); coding-DNA position 106, C replaced by A.
Protein change: p.Pro36Thr; replaces proline 36 with threonine.
Molecular consequence: missense variant.
Genome position (GRCh38, 1-based): chr1:1,232,384, C>A. VCF-style: chr1-1232384-C-A. GRCh37 (hg19) VCF-style: chr1-1167764-C-A.
Other names: short protein forms P36T.
Identifiers: ClinVar variation 4783882 (VCV004783882.1).